The following is an entry in ClinVar:

NM_000051.4(ATM):c.2486C>T (p.Pro829Leu)

Gene: ATM (ATM serine/threonine kinase; plus strand). Cytogenetic location: 11q22.3.
Variant type: single nucleotide variant.
Coding change: c.2486C>T on transcript NM_000051.4 (MANE Select); coding-DNA position 2486, C replaced by T.
Protein change: p.Pro829Leu; replaces proline 829 with leucine.
Molecular consequence: missense variant.
Genome position (GRCh38, 1-based): chr11:108,267,190, C>T. VCF-style: chr11-108267190-C-T. GRCh37 (hg19) VCF-style: chr11-108137917-C-T.
Other names: c.2486C>T, p.Pro829Leu (NM_001351834.2); short protein forms P829L.
Identifiers: ClinVar variation 1389441 (VCV001389441.11), dbSNP rs1565416001, ClinGen allele CA382543228.
Genomic context (GRCh38, chr11:108,267,190, plus strand): 5'-CAAGAAGCCATCTTGAACATCTTTGTTTCTCTTCCTTGAAGGCATCCTTCATCAAAAAGC[C>T]ATTTGACCGTGGAGAAGTAGAATCAATGGAAGATGATACTAATGGAAATCTAATGGAGGT-3'
Protein context (NP_000042.3, residues 819-839): CKSLASFIKK[Pro829Leu]FDRGEVESME

ClinVar aggregate classification (germline): Conflicting classifications of pathogenicity. Review status: criteria provided, conflicting classifications (1 of 4 stars). 2 submissions from 2 submitters: Uncertain significance (1); Likely benign (1). Last evaluated 2025-03-27.

Conditions:
Ataxia-telangiectasia syndrome (AT). Also called: Ataxia-telangiectasia, complementation group D; Ataxia telangiectasia (A-T); Cerebello-oculocutaneous telangiectasia; Immunodeficiency with ataxia telangiectasia; ATAXIA-TELANGIECTASIA, COMPLEMENTATION GROUP A; ATAXIA-TELANGIECTASIA, FRESNO VARIANT. Identifiers: Orphanet 100, MedGen C0004135, MONDO:0008840, OMIM 208900.
Hereditary cancer-predisposing syndrome. Also called: Hereditary neoplastic syndrome; Neoplastic Syndromes, Hereditary; Hereditary Cancer Syndrome; Tumor predisposition. Identifiers: Orphanet 140162, MedGen C0027672, MeSH D009386, MONDO:0015356.

Allele frequency attached by ClinVar (database versions not stated): gnomAD exomes below 0.00001.
gnomAD v4.1: 1 of 1,614,040 alleles (0.000062%); highest among the groups gnomAD compares: Non-Finnish European, 0.000085%; no homozygotes.

Submissions (2):

Ambry Genetics
Classification: Likely benign for Hereditary cancer-predisposing syndrome. Last evaluated: 2025-03-27. Review status: criteria provided, single submitter. Criteria: Ambry Variant Classification Scheme 2023. Collection method: clinical testing. Allele origin: germline.

Labcorp Genetics (formerly Invitae), Labcorp
Classification: Uncertain significance for Ataxia-telangiectasia syndrome. Last evaluated: 2024-11-30. Review status: criteria provided, single submitter. Criteria: Invitae Variant Classification Sherloc (09022015). Collection method: clinical testing. Allele origin: germline.
Comment: This sequence change replaces proline, which is neutral and non-polar, with leucine, which is neutral and non-polar, at codon 829 of the ATM protein (p.Pro829Leu). This variant is not present in population databases (gnomAD no frequency). This variant has not been reported in the literature in individuals affected with ATM-related conditions. ClinVar contains an entry for this variant (Variation ID: 1389441). Invitae Evidence Modeling of protein sequence and biophysical properties (such as structural, functional, and spatial information, amino acid conservation, physicochemical variation, residue mobility, and thermodynamic stability) indicates that this missense variant is not expected to disrupt ATM protein function with a negative predictive value of 95%. In summary, the available evidence is currently insufficient to determine the role of this variant in disease. Therefore, it has been classified as a Variant of Uncertain Significance.